The following is an entry in ClinVar:

ClinVar aggregate classification (germline): Uncertain significance. Review status: criteria provided, multiple submitters, no conflicts (2 of 4 stars). 2 submissions from 2 submitters: Uncertain significance (2). Last evaluated 2026-03-18.

Conditions:
RP1L1-related disorder. Also called: RP1L1-related condition.

gnomAD v4.1: 44 of 1,613,802 alleles (0.0027%); highest among the groups gnomAD compares: Non-Finnish European, 0.0036%; no homozygotes.

Submissions (2):

PreventionGenetics, part of Exact Sciences
Classification: Uncertain significance for RP1L1-related condition. Last evaluated: 2026-03-18. Review status: criteria provided, single submitter. Criteria: ACMG Guidelines, 2015. Collection method: clinical testing. Allele origin: germline.
Comment: The RP1L1 c.2069C>G variant is predicted to result in the amino acid substitution p.Pro690Arg. To our knowledge, this variant has not been reported in the literature. This variant is present in 0.0071% of alleles in individuals of European (Non-Finnish) descent in gnomAD. At this time, the clinical significance of this variant is uncertain due to the absence of conclusive functional and genetic evidence.

Blueprint Genetics
Classification: Uncertain significance. Last evaluated: 2021-12-10. Review status: criteria provided, single submitter. Criteria: ACMG Guidelines, 2015. Collection method: clinical testing. Allele origin: germline.

NM_178857.6(RP1L1):c.2069C>G (p.Pro690Arg)

Gene: RP1L1 (RP1 like 1). Cytogenetic location: 8p23.1.
Variant type: single nucleotide variant.
Coding change: c.2069C>G on transcript NM_178857.6 (MANE Select); coding-DNA position 2069, C replaced by G.
Protein change: p.Pro690Arg; replaces proline 690 with arginine.
Molecular consequence: missense variant.
Genome position (GRCh38, 1-based): chr8:10,612,029, G>C on the plus strand (C>G on the coding strand, the complement: RP1L1 is on the minus strand). VCF-style: chr8-10612029-G-C. GRCh37 (hg19) VCF-style: chr8-10469539-G-C.
Other names: c.2069C>G (NM_178857.5); short protein forms P690R.
Identifiers: ClinVar variation 4899323 (VCV004899323.2).